The following is an entry in ClinVar:

NM_001844.5(COL2A1):c.2903_2911dup (p.Pro970_Pro971insGlnGlyPro)

Gene: COL2A1 (collagen type II alpha 1 chain; minus strand). Cytogenetic location: 12q13.11.
Variant type: Duplication.
Coding change: c.2903_2911dup on transcript NM_001844.5 (MANE Select); coding-DNA positions 2903 to 2911, 9 bases duplicated (AAGGTCCAC; older notation c.2903_2911dupAAGGTCCAC).
Protein change: p.Pro970_Pro971insGlnGlyPro.
Genome position (GRCh38, 1-based): chr12:47,978,383-47,978,391, GTGGACCTT duplicated on the plus strand (AAGGTCCAC on the coding strand, the reverse complement: COL2A1 is on the minus strand). VCF-style (leftmost placement, unchanged base first): chr12-47978382-G-GGTGGACCTT. GRCh37 (hg19) VCF-style: chr12-48372165-G-GGTGGACCTT.
Other names: c.2696_2704dup, p.Pro901_Pro902insGlnGlyPro (NM_033150.3).
Identifiers: ClinVar variation 3375896 (VCV003375896.1).

ClinVar aggregate classification (germline): Uncertain significance (1 of 4 stars; one submission).

Submission:

GeneDx
Classification: Uncertain significance. Last evaluated: 2024-05-05. Review status: criteria provided, single submitter. Criteria: GeneDx Variant Classification Process June 2021. Collection method: clinical testing. Allele origin: germline. Affected: yes.
Comment: Has not been previously published as pathogenic or benign to our knowledge; Not observed at significant frequency in large population cohorts (gnomAD); In-frame insertion of 3 amino acids in a non-repeat region